The following is an entry in ClinVar:

NM_001127898.4(CLCN5):c.*6955C>G

Gene: CLCN5 (Cl-/H+ antiporter 5; plus strand). Cytogenetic location: Xp11.23.
Variant type: single nucleotide variant.
Coding change: c.*6955C>G on transcript NM_001127898.4 (MANE Select); 6955 bases downstream of the stop codon, C replaced by G.
Molecular consequence: 3 prime UTR variant.
Genome position (GRCh38, 1-based): chrX:50,099,174, C>G. VCF-style: chrX-50099174-C-G. GRCh37 (hg19) VCF-style: chrX-49863831-C-G.
Other names: c.*6955C>G (NM_000084.5, NM_001127899.4, NM_001282163.2).
Identifiers: ClinVar variation 914469 (VCV000914469.4), dbSNP rs186369163, ClinGen allele CA329782941.

ClinVar aggregate classification (germline): Benign (1 of 4 stars; one submission).

Conditions:
Dent disease type 1 (DENT1). Also called: NEPHROLITHIASIS 2; NEPHROLITHIASIS, HYPERCALCIURIC, X-LINKED. Identifiers: Orphanet 1652, Orphanet 93622, MedGen C1848336, MONDO:0010225, OMIM 300009.

Allele frequency attached by ClinVar (database versions not stated): TOPMed 0.00062; 1000 Genomes Project 30x 0.00083; 1000 Genomes Project 0.00106; gnomAD 0.00263 and 0.00273; gnomAD exomes 0.01993.
gnomAD v4.1: 297 of 112,639 alleles (0.26%); highest among the groups gnomAD compares: Non-Finnish European, 0.22%; 2 homozygotes.

Submission:

Illumina Laboratory Services, Illumina
Classification: Benign for Dent disease type 1. Last evaluated: 2018-01-13. Review status: criteria provided, single submitter. Criteria: ICSL Variant Classification Criteria 13 December 2019. Collection method: clinical testing. Allele origin: germline.
Comment: This variant was observed in the ICSL laboratory as part of a predisposition screen in an ostensibly healthy population. It had not been previously curated by ICSL or reported in the Human Gene Mutation Database (HGMD: prior to June 1st, 2018), and was therefore a candidate for classification through an automated scoring system. Utilizing variant allele frequency, disease prevalence and penetrance estimates, and inheritance mode, an automated score was calculated to assess if this variant is too frequent to cause the disease. Based on the score and internal cut-off values, a variant classified as benign is not then subjected to further curation. The score for this variant resulted in a classification of benign for this disease.